The following is an entry in ClinVar:

ClinVar aggregate classification (germline): Uncertain significance (1 of 4 stars; one submission).

Submission:

Labcorp Genetics (formerly Invitae), Labcorp
Classification: Uncertain significance. Last evaluated: 2025-07-20. Review status: criteria provided, single submitter. Criteria: Invitae Variant Classification Sherloc (09022015). Collection method: clinical testing. Allele origin: germline.
Comment: This sequence change replaces glutamine, which is neutral and polar, with leucine, which is neutral and non-polar, at codon 753 of the COL11A1 protein (p.Gln753Leu). Information on the frequency of this variant in the gnomAD database is not available, as this variant may be reported differently in the database. This variant has not been reported in the literature in individuals affected with COL11A1-related conditions. Experimental studies and prediction algorithms are not available or were not evaluated, and the functional significance of this variant is currently unknown. In summary, the available evidence is currently insufficient to determine the role of this variant in disease. Therefore, it has been classified as a Variant of Uncertain Significance.

NM_001854.4(COL11A1):c.2257_2258delinsTT (p.Gln753Leu)

Gene: COL11A1 (collagen type XI alpha 1 chain; minus strand). Cytogenetic location: 1p21.1.
Variant type: Indel.
Coding change: c.2257_2258delinsTT on transcript NM_001854.4 (MANE Select); coding-DNA positions 2257 to 2258, CA replaced by TT.
Protein change: p.Gln753Leu; replaces glutamine 753 with leucine.
Molecular consequence: missense variant. On other transcripts: non-coding transcript variant (1).
Genome position (GRCh38, 1-based): chr1:102,996,026-102,996,027, TG replaced by AA on the plus strand (CA replaced by TT on the coding strand, the reverse complement: COL11A1 is on the minus strand). VCF-style: chr1-102996026-TG-AA. GRCh37 (hg19) VCF-style: chr1-103461582-TG-AA.
Other names: c.2140_2141delinsTT, p.Gln714Leu (NM_001190709.2); c.2293_2294delinsTT, p.Gln765Leu (NM_080629.3); c.1909_1910delinsTT, p.Gln637Leu (NM_080630.4); short protein forms Q637L, Q753L, Q714L, Q765L.
Identifiers: ClinVar variation 4723576 (VCV004723576.1).